The following is an entry in ClinVar:

NM_000834.5(GRIN2B):c.2131C>T (p.Gln711Ter)

Gene: GRIN2B (glutamate ionotropic receptor NMDA type subunit 2B; minus strand). Cytogenetic location: 12p13.1.
Variant type: single nucleotide variant.
Coding change: c.2131C>T on transcript NM_000834.5 (MANE Select); coding-DNA position 2131, C replaced by T.
Protein change: p.Gln711Ter; replaces glutamine 711 with a stop codon.
Molecular consequence: nonsense.
Genome position (GRCh38, 1-based): chr12:13,571,844, G>A on the plus strand (C>T on the coding strand, the complement: GRIN2B is on the minus strand). VCF-style: chr12-13571844-G-A. GRCh37 (hg19) VCF-style: chr12-13724778-G-A.
Other names: short protein forms Q711*.
Identifiers: ClinVar variation 916604 (VCV000916604.2), dbSNP rs1555103959, ClinGen allele CA383999011.

ClinVar aggregate classification (germline): Pathogenic. Review status: criteria provided, multiple submitters, no conflicts (2 of 4 stars). 2 submissions from 2 submitters: Pathogenic (2). Last evaluated 2024-09-26.

Conditions:
Intellectual developmental disorder, autosomal dominant 6, with or without seizures. Also called: GRIN2B-related developmental delay, intellectual disability and autism spectrum disorder; Intellectual disability, autosomal dominant 6. Identifiers: Orphanet 589547, MedGen C3151411, MONDO:0013509, OMIM 613970.

Submissions (2):

GeneDx
Classification: Pathogenic. Last evaluated: 2024-09-26. Review status: criteria provided, single submitter. Criteria: GeneDx Variant Classification Process June 2021. Collection method: clinical testing. Allele origin: germline. Affected: yes.
Comment: Apparently de novo variant in a patient with autism spectrum disorder (PMID: 24126926); Nonsense variant predicted to result in protein truncation or nonsense mediated decay in a gene for which loss of function is a known mechanism of disease; Not observed at significant frequency in large population cohorts (gnomAD); This variant is associated with the following publications: (PMID: 28377535, 24126926)

Institute of Human Genetics, University of Leipzig Medical Center
Classification: Pathogenic for Intellectual developmental disorder, autosomal dominant 6, with or without seizures. Last evaluated: 2017-04-04. Review status: criteria provided, single submitter. Criteria: ACMG Guidelines, 2015. Collection method: clinical testing. Allele origin: de novo. Affected: yes.
Comment: This variant was identified as de novo (maternity and paternity confirmed).

Literature cited by the submitters: PubMed 28377535 (cited by Institute of Human Genetics, University of Leipzig Medical Center).